The following is an entry in ClinVar:

NM_001387777.1(TNS1):c.3174C>T (p.Ile1058=)

Gene: TNS1 (tensin 1; minus strand). Cytogenetic location: 2q35.
Variant type: single nucleotide variant.
Coding change: c.3174C>T on transcript NM_001387777.1 (MANE Select); coding-DNA position 3174, C replaced by T.
Protein change: p.Ile1058=; no amino-acid change (isoleucine 1058 retained).
Molecular consequence: synonymous variant.
Genome position (GRCh38, 1-based): chr2:217,836,045, G>A on the plus strand (C>T on the coding strand, the complement: TNS1 is on the minus strand). VCF-style: chr2-217836045-G-A. GRCh37 (hg19) VCF-style: chr2-218700768-G-A.
Other names: c.2799C>T, p.Ile933= (NM_001308022.2, NM_001308023.2, NM_022648.7).
Identifiers: ClinVar variation 734796 (VCV000734796.7), dbSNP rs61743061, ClinGen allele CA2100027.

ClinVar aggregate classification (germline): Benign. Review status: criteria provided, multiple submitters, no conflicts (2 of 4 stars). 3 submissions from 3 submitters: Benign (2). 1 of the submissions does not count toward it. Last evaluated 2019-12-31.

Conditions:
TNS1-related disorder. Also called: TNS1-related condition.

Allele frequency attached by ClinVar (database versions not stated): gnomAD exomes 0.00028; ExAC 0.00034; gnomAD 0.00093 and 0.00102; 1000 Genomes Project 30x 0.00094; TOPMed 0.00110; 1000 Genomes Project 0.00120; ESP Exome Variant Server 0.00123.
gnomAD v4.1: 299 of 1,613,992 alleles (0.019%); highest among the groups gnomAD compares: African/African-American, 0.33%; no homozygotes.

Submissions (3):

Labcorp Genetics (formerly Invitae), Labcorp
Classification: Benign. Last evaluated: 2019-12-31. Review status: criteria provided, single submitter. Criteria: Invitae Variant Classification Sherloc (09022015). Collection method: clinical testing. Allele origin: germline.

Breakthrough Genomics
Classification: Benign. Review status: criteria provided, single submitter. Criteria: ACMG Guidelines, 2015. Collection method: not provided. Allele origin: germline. Inheritance: Unknown mechanism. Affected: yes.

PreventionGenetics, part of Exact Sciences
Classification: Likely benign for TNS1-related condition. Last evaluated: 2019-03-26. Review status: no assertion criteria provided. Collection method: clinical testing. Allele origin: germline. Not counted in ClinVar's aggregate classification.
Comment: This variant is classified as likely benign based on ACMG/AMP sequence variant interpretation guidelines (Richards et al. 2015 PMID: 25741868, with internal and published modifications).